The following is an entry in ClinVar:

ClinVar aggregate classification (germline): Conflicting classifications of pathogenicity. Review status: criteria provided, conflicting classifications (1 of 4 stars). 3 submissions from 3 submitters: Uncertain significance (2); Benign (1). Last evaluated 2025-03-05.

Conditions:
Connective tissue disorder. Also called: Connective tissue disease. Identifiers: MedGen C0009782, MONDO:0003900.

Allele frequency attached by ClinVar (database versions not stated): gnomAD below 0.00001 and 0.00009; TOPMed below 0.00001; 1000 Genomes Project 30x 0.00016; 1000 Genomes Project 0.00020; gnomAD exomes 0.00020 and 0.00039; ExAC 0.00038.
gnomAD v4.1: 308 of 1,614,208 alleles (0.019%); highest among the groups gnomAD compares: South Asian, 0.31%; 2 homozygotes.

Submissions (4):

Labcorp Genetics (formerly Invitae), Labcorp
Classification: Benign. Last evaluated: 2025-03-05. Review status: criteria provided, single submitter. Criteria: Invitae Variant Classification Sherloc (09022015). Collection method: clinical testing. Allele origin: germline.

GeneDx
Classification: Uncertain significance. Last evaluated: 2019-06-11. Review status: criteria provided, single submitter. Criteria: GeneDx Variant Classification Process June 2021. Collection method: clinical testing. Allele origin: germline. Affected: yes.
Comment: In silico analysis, which includes protein predictors and evolutionary conservation, supports a deleterious effect; This variant is associated with the following publications: (PMID: 27182040)

Genome Diagnostics Laboratory, The Hospital for Sick Children
Classification: Uncertain significance for Connective tissue disorder. Last evaluated: 2019-04-01. Review status: criteria provided, single submitter. Criteria: ACMG Guidelines, 2015. Collection method: clinical testing. Allele origin: germline.

Dr. Peter K. Rogan Lab, Western University
No classification provided (evidence only). Condition: Malignant tumor of urinary bladder. Review status: no classification provided. Collection method: in vitro. Allele origin: not applicable. Functional consequence: retained intron. Not counted in ClinVar's aggregate classification.

NM_002296.4(LBR):c.629G>T (p.Gly210Val)

Gene: LBR (lamin B receptor; minus strand). Cytogenetic location: 1q42.12.
Variant type: single nucleotide variant.
Coding change: c.629G>T on transcript NM_002296.4 (MANE Select); coding-DNA position 629, G replaced by T.
Protein change: p.Gly210Val; replaces glycine 210 with valine.
Molecular consequence: missense variant.
Genome position (GRCh38, 1-based): chr1:225,419,274, C>A on the plus strand (G>T on the coding strand, the complement: LBR is on the minus strand). VCF-style: chr1-225419274-C-A. GRCh37 (hg19) VCF-style: chr1-225606976-C-A.
Other names: c.629G>T, p.Gly210Val (NM_194442.3); short protein forms G210V.
Identifiers: ClinVar variation 795060 (VCV000795060.16), dbSNP rs565288775, ClinGen allele CA1417422.
Genomic context (GRCh38, chr1:225,419,274, plus strand): 5'-CCCCTAGCTCACCCCACCTGCCCTCTCTGGGCCCAGCTCTGAGGCCTACCAGGTACTCCT[C>A]CAAACTCCAAGTCCTTTGCCCGGATGGGGGTCACTTCAAAGGTTCTCACTGCCAGTTCTT-3'
Protein context (NP_002287.2, residues 200-220): TPIRAKDLEF[Gly210Val]GVPGVFLIMF